The following is an entry in ClinVar:

ClinVar aggregate classification (germline): Likely pathogenic (1 of 4 stars; one submission).

Conditions:
Fraser syndrome 2 (FRASRS2). Identifiers: MedGen C4540036, MONDO:0054738, OMIM 617666.

Submission:

Neuberg Centre For Genomic Medicine, NCGM
Classification: Likely pathogenic for Fraser syndrome 2. Last evaluated: 2023-03-01. Review status: criteria provided, single submitter. Criteria: ACMG Guidelines, 2015. Collection method: clinical testing. Allele origin: germline. Inheritance: Autosomal recessive inheritance. Affected: yes.
Comment: The frameshift c.8376del(p.Val2793TyrfsTer21) variant in FREM2 gene has not been reported previously as a pathogenic variant nor a benign variant, to our knowledge. The p.Val2793TyrfsTer21 variant is novel (not in any individuals) in gnomAD Exomes and 1000 Genomes. This variant has not been reported to the ClinVar database. This variant causes a frameshift starting with codon Valine 2793, changes this amino acid to Tyrosine residue, and creates a premature Stop codon at position 21 of the new reading frame, denoted p.Val2793TyrfsTer21. This variant is predicted to cause loss of normal protein function through protein truncation. Loss of function variants have been previously reported to be disease causing. For these reasons, this variant has been classified as Likely Pathogenic.

NM_207361.6(FREM2):c.8376del (p.Val2793fs)

Gene: FREM2 (FRAS1 related extracellular matrix 2; plus strand). Cytogenetic location: 13q13.3.
Variant type: Deletion.
Coding change: c.8376del on transcript NM_207361.6 (MANE Select); coding-DNA position 8376, one base deleted (A; older notation c.8376delA).
Protein change: p.Val2793fs; shifts the reading frame from valine 2793.
Molecular consequence: frameshift variant.
Genome position (GRCh38, 1-based): chr13:38,876,116, A deleted. VCF-style (leftmost placement, unchanged base first): chr13-38876115-CA-C. GRCh37 (hg19) VCF-style: chr13-39450252-CA-C.
Other names: short protein forms V2793fs.
Identifiers: ClinVar variation 2664926 (VCV002664926.1), dbSNP rs2541507235, ClinGen allele CA2695199735.